The following is an entry in ClinVar:

ClinVar aggregate classification (germline): Uncertain significance (1 of 4 stars; one submission).

Conditions:
Tuberous sclerosis 2 (TSC2). Identifiers: Orphanet 805, MedGen C1860707, MONDO:0013199, OMIM 613254.

Allele frequency attached by ClinVar (database versions not stated): gnomAD exomes below 0.00001.
gnomAD v4.1: 2 of 1,603,084 alleles (0.00012%); highest among the groups gnomAD compares: South Asian, 0.0011%; no homozygotes.

Submission:

Labcorp Genetics (formerly Invitae), Labcorp
Classification: Uncertain significance for Tuberous sclerosis 2. Last evaluated: 2024-03-15. Review status: criteria provided, single submitter. Criteria: Invitae Variant Classification Sherloc (09022015). Collection method: clinical testing. Allele origin: germline.
Comment: This sequence change falls in intron 13 of the TSC2 gene. It does not directly change the encoded amino acid sequence of the TSC2 protein. It affects a nucleotide within the consensus splice site. This variant is not present in population databases (gnomAD no frequency). This variant has not been reported in the literature in individuals affected with TSC2-related conditions. ClinVar contains an entry for this variant (Variation ID: 951110). Variants that disrupt the consensus splice site are a relatively common cause of aberrant splicing (PMID: 17576681, 9536098). Algorithms developed to predict the effect of sequence changes on RNA splicing suggest that this variant is not likely to affect RNA splicing. In summary, the available evidence is currently insufficient to determine the role of this variant in disease. Therefore, it has been classified as a Variant of Uncertain Significance.

Literature cited by the submitters: PubMed 17576681; PubMed 9536098.

NM_000548.5(TSC2):c.1361+4G>A

Gene: TSC2 (TSC complex subunit 2; plus strand). Cytogenetic location: 16p13.3.
Variant type: single nucleotide variant.
Coding change: c.1361+4G>A on transcript NM_000548.5 (MANE Select); 4 bases into the intron after coding-DNA position 1361, G replaced by A.
Molecular consequence: intron variant.
Genome position (GRCh38, 1-based): chr16:2,062,604, G>A. VCF-style: chr16-2062604-G-A. GRCh37 (hg19) VCF-style: chr16-2112605-G-A.
Other names: c.1361+4G>A (NM_001114382.3, NM_021055.3, NM_001370405.1 and 3 more transcripts); c.1250+4G>A (NM_001318827.2); c.761+4G>A (NM_001318831.2); c.1214+4G>A (NM_001318829.2); c.1394+4G>A (NM_001318832.2).
Identifiers: ClinVar variation 951110 (VCV000951110.9), dbSNP rs2086781300, ClinGen allele CA1139664295.